The following is an entry in ClinVar:

ClinVar aggregate classification (germline): Pathogenic (1 of 4 stars; one submission).

Conditions:
Neurofibromatosis, type 1 (NF1). Also called: NEUROFIBROMATOSIS, TYPE I, SOMATIC; Neurofibromatosis, type I; Peripheral type neurofibromatosis; VON RECKLINGHAUSEN DISEASE. Identifiers: Orphanet 636, MedGen C0027831, MONDO:0018975, OMIM 162200. Disease mechanism: loss of function.

Allele frequency attached by ClinVar (database versions not stated): gnomAD exomes below 0.00001.
gnomAD v4.1: 1 of 1,613,990 alleles (0.000062%); highest among the groups gnomAD compares: Non-Finnish European, 0.000085%; no homozygotes.

Submission:

Labcorp Genetics (formerly Invitae), Labcorp
Classification: Pathogenic for Neurofibromatosis, type 1. Last evaluated: 2022-09-01. Review status: criteria provided, single submitter. Criteria: Invitae Variant Classification Sherloc (09022015). Collection method: clinical testing. Allele origin: germline.
Comment: For these reasons, this variant has been classified as Pathogenic. This variant has not been reported in the literature in individuals affected with NF1-related conditions. This variant is not present in population databases (gnomAD no frequency). This sequence change creates a premature translational stop signal (p.Glu2612*) in the NF1 gene. It is expected to result in an absent or disrupted protein product. Loss-of-function variants in NF1 are known to be pathogenic (PMID: 10712197, 23913538).

Literature cited by the submitters: PubMed 10712197; PubMed 23913538.

NM_001042492.3(NF1):c.7897G>T (p.Glu2633Ter)

Gene: NF1 (neurofibromin 1; plus strand). Cytogenetic location: 17q11.2.
Variant type: single nucleotide variant.
Coding change: c.7897G>T on transcript NM_001042492.3 (MANE Select); coding-DNA position 7897, G replaced by T.
Protein change: p.Glu2633Ter; replaces glutamic acid 2633 with a stop codon.
Molecular consequence: nonsense.
Genome position (GRCh38, 1-based): chr17:31,357,296, G>T. VCF-style: chr17-31357296-G-T. GRCh37 (hg19) VCF-style: chr17-29684314-G-T.
Other names: c.7834G>T, p.Glu2612Ter (NM_000267.4); short protein forms E2612*, E2633*.
Identifiers: ClinVar variation 2028367 (VCV002028367.4), dbSNP rs750754640, ClinGen allele CA399203410.